The following is an entry in ClinVar:

NM_000368.5(TSC1):c.211-10del

Gene: TSC1 (TSC complex subunit 1; minus strand). Cytogenetic location: 9q34.13.
Variant type: Deletion.
Coding change: c.211-10del on transcript NM_000368.5 (MANE Select); 10 bases into the intron before coding-DNA position 211, one base deleted (A; older notation c.211-10delA).
Molecular consequence: intron variant.
Genome position (GRCh38, 1-based): chr9:132,925,749, T deleted on the plus strand (A on the coding strand, the reverse complement: TSC1 is on the minus strand). VCF-style (leftmost placement, unchanged base first): chr9-132925748-GT-G. GRCh37 (hg19) VCF-style: chr9-135801135-GT-G.
Other names: c.-153-10del (NM_001362177.2); c.210+1452del (NM_001162427.2); c.211-10del (NM_001162426.2); c.211-10delA (NM_000368.4).
Identifiers: ClinVar variation 416674 (VCV000416674.11), dbSNP rs1060504859, ClinGen allele CA16612503.

ClinVar aggregate classification (germline): Likely benign. Review status: criteria provided, multiple submitters, no conflicts (2 of 4 stars). 3 submissions from 3 submitters: Likely benign (3). Last evaluated 2025-06-23.

Conditions:
Tuberous sclerosis syndrome (TSC). Also called: Tuberous Sclerosis Complex; Tuberous sclerosis. Identifiers: Orphanet 805, MedGen C0041341, MONDO:0001734.
Tuberous sclerosis 1 (TSC1). Identifiers: Orphanet 805, MedGen C1854465, MONDO:0008612, OMIM 191100.

Submissions (3):

Color Diagnostics, LLC DBA Color Health
Classification: Likely benign for Tuberous sclerosis syndrome. Last evaluated: 2025-06-23. Review status: criteria provided, single submitter. Criteria: ACMG Guidelines, 2015. Collection method: clinical testing. Allele origin: germline.

Myriad Genetics, Inc.
Classification: Likely benign for Tuberous sclerosis 1. Last evaluated: 2025-04-07. Review status: criteria provided, single submitter. Criteria: Myriad Autosomal Dominant, Autosomal Recessive and X-Linked Classification Criteria (2023). Collection method: clinical testing. Allele origin: unknown.
Comment: This variant is considered likely benign. This variant is intronic and is not expected to impact mRNA splicing.

Labcorp Genetics (formerly Invitae), Labcorp
Classification: Likely benign for Tuberous sclerosis 1. Last evaluated: 2016-09-15. Review status: criteria provided, single submitter. Criteria: Invitae Variant Classification Sherloc (09022015). Collection method: clinical testing. Allele origin: germline.